The following is an entry in ClinVar:

NC_000001.10:g.(?_26784272)_(26795632_?)del

Gene: DHDDS (dehydrodolichyl diphosphate synthase subunit; plus strand). Cytogenetic location: 1p36.11.
Variant type: Deletion.
Identifiers: ClinVar variation 2426900 (VCV002426900.3).

ClinVar aggregate classification (germline): Pathogenic (1 of 4 stars; one submission).

Conditions:
Retinitis pigmentosa 59 (RP59). Identifiers: Orphanet 791, MedGen C3151227, MONDO:0013468, OMIM 613861.

Submission:

Labcorp Genetics (formerly Invitae), Labcorp
Classification: Pathogenic for Retinitis pigmentosa 59. Last evaluated: 2021-12-12. Review status: criteria provided, single submitter. Criteria: Invitae Variant Classification Sherloc (09022015). Collection method: clinical testing. Allele origin: germline.
Comment: This variant is a gross deletion of the genomic region encompassing exon(s) 7-9 of the DHDDS gene, which includes the termination codon. This deletion extends beyond the assayed region for this gene and therefore may encompass additional genes. While this deletion is not anticipated to lead to nonsense mediated decay, it is expected to alter mRNA translation or result in a truncated protein product. This variant has not been reported in the literature in individuals affected with DHDDS-related conditions. This variant disrupts a region of the DHDDS protein in which other variant(s) (p.Thr206Ala) have been determined to be pathogenic (PMID: 24078709, 28130426). This suggests that this is a clinically significant region of the protein, and that variants that disrupt it are likely to be disease-causing. For these reasons, this variant has been classified as Pathogenic.

Literature cited by the submitters: PubMed 24078709; PubMed 28130426.